The following is an entry in ClinVar:

NM_001927.4(DES):c.639+5G>C

Gene: DES (desmin; plus strand). Cytogenetic location: 2q35.
Variant type: single nucleotide variant.
Coding change: c.639+5G>C on transcript NM_001927.4 (MANE Select); 5 bases into the intron after coding-DNA position 639, G replaced by C.
Molecular consequence: intron variant.
Genome position (GRCh38, 1-based): chr2:219,420,160, G>C. VCF-style: chr2-219420160-G-C. GRCh37 (hg19) VCF-style: chr2-220284882-G-C.
Other names: c.636+8G>C (NM_001382708.1); c.496-365G>C (NM_001382713.1); c.639+5G>C (NM_001382712.1, NM_001382711.1, NM_001382710.1 and 1 more transcripts).
Identifiers: ClinVar variation 4784091 (VCV004784091.1).
Genomic context (GRCh38, chr2:219,420,160, plus strand): 5'-AGGAGGAGATTCAGTTGAAGGAAGAAGCAGAGAACAATTTGGCTGCCTTCCGAGCGGTGA[G>C]TGCCCTTCTTTTCCCCTTGCATGGCCTCTGGCCTTGCTCTGCCCCACCTGGGTGGCGGTG-3'

ClinVar aggregate classification (germline): Uncertain significance (1 of 4 stars; one submission).

Conditions:
Desmin-related myofibrillar myopathy (MFM1). Also called: Desminopathy; Desmin related myopathy (former name); Desmin storage myopathy (former name); MYOFIBRILLAR MYOPATHY WITH ARRHYTHMOGENIC RIGHT VENTRICULAR CARDIOMYOPATHY; DESMIN-RELATED MYOPATHY WITH ARRHYTHMOGENIC RIGHT VENTRICULAR CARDIOMYOPATHY; Myofibrillar myopathy 1. Identifiers: Orphanet 363543, Orphanet 98909, MedGen C1832370, MONDO:0011076, OMIM 601419.

Submission:

Labcorp Genetics (formerly Invitae), Labcorp
Classification: Uncertain significance for Desmin-related myofibrillar myopathy. Last evaluated: 2025-02-11. Review status: criteria provided, single submitter. Criteria: Invitae Variant Classification Sherloc (09022015). Collection method: clinical testing. Allele origin: germline.
Comment: This sequence change falls in intron 2 of the DES gene. It does not directly change the encoded amino acid sequence of the DES protein. It affects a nucleotide within the consensus splice site. This variant is not present in population databases (gnomAD no frequency). This variant has not been reported in the literature in individuals affected with DES-related conditions. Variants that disrupt the consensus splice site are a relatively common cause of aberrant splicing (PMID: 17576681, 9536098). Algorithms developed to predict the effect of sequence changes on RNA splicing suggest that this variant may disrupt the consensus splice site. In summary, the available evidence is currently insufficient to determine the role of this variant in disease. Therefore, it has been classified as a Variant of Uncertain Significance.

Literature cited by the submitters: PubMed 17576681; PubMed 9536098.